The following is an entry in ClinVar:

ClinVar aggregate classification (germline): Benign (1 of 4 stars; one submission).

Conditions:
Leigh syndrome (NULS). Also called: Leigh's necrotizing encephalopathy; Leigh's disease; Leigh Syndrome (mtDNA deletion); Leigh Disease; Subacute necrotizing encephalopathy; Necrotizing encephalopathy infantile subacute of Leigh. Identifiers: Orphanet 506, MedGen C2931891, MONDO:0009723, OMIM 256000.

Submission:

Wong Mito Lab, Molecular and Human Genetics, Baylor College of Medicine
Classification: Benign for Leigh syndrome. Last evaluated: 2019-10-17. Review status: criteria provided, single submitter. Criteria: Modified ACMG Guidelines (Unpublished). Collection method: clinical testing. Allele origin: germline.
Comment: The NC_012920.1:m.6546C>T (YP_003024028.1:p.Leu215Phe) variant in MTCO1 gene is interpretated to be a Benign variant based on the modified ACMG guidelines (unpublished). This variant meets the following evidence codes: BS1, BS2, BP4

NC_012920.1(MT-CO1):m.6546C>T

Gene: MT-CO1 (mitochondrially encoded cytochrome c oxidase I; plus strand).
Variant type: single nucleotide variant.
Genome position: chrM-6546-C-T.
Identifiers: ClinVar variation 692658 (VCV000692658.1), dbSNP rs1603220531, ClinGen allele CA414784667.